The following is an entry in ClinVar:

ClinVar aggregate classification (germline): Uncertain significance (1 of 4 stars; one submission).

Submission:

Ambry Genetics
Classification: Uncertain significance. Last evaluated: 2024-01-31. Review status: criteria provided, single submitter. Criteria: Ambry Variant Classification Scheme 2023. Collection method: clinical testing. Allele origin: germline.
Comment: The p.V964I variant (also known as c.2890G>A), located in coding exon 25 of the KIF1B gene, results from a G to A substitution at nucleotide position 2890. The valine at codon 964 is replaced by isoleucine, an amino acid with highly similar properties. This amino acid position is conserved. In addition, the in silico prediction for this alteration is inconclusive. Based on the available evidence, the clinical significance of this alteration remains unclear.

NM_001365951.3(KIF1B):c.3028G>A (p.Val1010Ile)

Gene: KIF1B (kinesin family member 1B; plus strand). Cytogenetic location: 1p36.22.
Variant type: single nucleotide variant.
Coding change: c.3028G>A on transcript NM_001365951.3 (MANE Select); coding-DNA position 3028, G replaced by A.
Protein change: p.Val1010Ile; replaces valine 1010 with isoleucine.
Molecular consequence: missense variant.
Genome position (GRCh38, 1-based): chr1:10,334,623, G>A. VCF-style: chr1-10334623-G-A. GRCh37 (hg19) VCF-style: chr1-10394681-G-A.
Other names: c.3028G>A, p.Val1010Ile (NM_001365952.1); c.2890G>A, p.Val964Ile (NM_015074.3); short protein forms V1010I, V964I.
Identifiers: ClinVar variation 3226424 (VCV003226424.1), dbSNP rs774029401, ClinGen allele CA338338838.